The following is an entry in ClinVar:

NM_024675.4(PALB2):c.3113+11C>T

Gene: PALB2 (partner and localizer of BRCA2; minus strand). Cytogenetic location: 16p12.2.
Variant type: single nucleotide variant.
Coding change: c.3113+11C>T on transcript NM_024675.4 (MANE Select); 11 bases into the intron after coding-DNA position 3113, C replaced by T.
Molecular consequence: intron variant.
Genome position (GRCh38, 1-based): chr16:23,621,351, G>A on the plus strand (C>T on the coding strand, the complement: PALB2 is on the minus strand). VCF-style: chr16-23621351-G-A. GRCh37 (hg19) VCF-style: chr16-23632672-G-A.
Identifiers: ClinVar variation 384662 (VCV000384662.12), dbSNP rs1057522029, ClinGen allele CA16608105.

ClinVar aggregate classification (germline): Likely benign. Review status: criteria provided, multiple submitters, no conflicts (2 of 4 stars). 3 submissions from 3 submitters: Likely benign (3). Last evaluated 2025-10-26.

Conditions:
Familial cancer of breast. Also called: hereditary breast carcinoma; Hereditary breast cancer; BREAST CANCER, FAMILIAL. Identifiers: Orphanet 227535, MedGen C0346153, MONDO:0016419, OMIM 114480. Disease mechanism: loss of function.
Hereditary cancer-predisposing syndrome. Also called: Hereditary Cancer Syndrome; Hereditary neoplastic syndrome; Neoplastic Syndromes, Hereditary; Tumor predisposition. Identifiers: Orphanet 140162, MedGen C0027672, MeSH D009386, MONDO:0015356.

Allele frequency attached by ClinVar (database versions not stated): gnomAD exomes below 0.00001; TOPMed below 0.00001; gnomAD 0.00001.
gnomAD v4.1: 3 of 1,571,330 alleles (0.00019%); highest among the groups gnomAD compares: Non-Finnish European, 0.00026%; no homozygotes.

Submissions (3):

Labcorp Genetics (formerly Invitae), Labcorp
Classification: Likely benign for Familial cancer of breast. Last evaluated: 2025-10-26. Review status: criteria provided, single submitter. Criteria: Invitae Variant Classification Sherloc (09022015). Collection method: clinical testing. Allele origin: germline.

Color Diagnostics, LLC DBA Color Health
Classification: Likely benign for Hereditary cancer-predisposing syndrome. Last evaluated: 2017-10-26. Review status: criteria provided, single submitter. Criteria: ACMG Guidelines, 2015. Collection method: clinical testing. Allele origin: germline.

GeneDx
Classification: Likely benign. Last evaluated: 2016-10-24. Review status: criteria provided, single submitter. Criteria: GeneDx Variant Classification (06012015). Collection method: clinical testing. Allele origin: germline. Affected: yes.
Comment: This variant is considered likely benign or benign based on one or more of the following criteria: it is a conservative change, it occurs at a poorly conserved position in the protein, it is predicted to be benign by multiple in silico algorithms, and/or has population frequency not consistent with disease.